The following is an entry in ClinVar:

NC_012920.1(MT-CYB):m.14800C>T

Gene: MT-CYB (mitochondrially encoded cytochrome b; plus strand).
Variant type: single nucleotide variant.
Genome position: chrM-14800-C-T.
Identifiers: ClinVar variation 143867 (VCV000143867.4), dbSNP rs527236164, ClinGen allele CA270600.

ClinVar aggregate classification (germline): Benign. Review status: criteria provided, single submitter (1 of 4 stars). 2 submissions from 2 submitters: Benign (1). 1 of the submissions does not count toward it. Last evaluated 2022-05-04.

Conditions:
Familial cancer of breast. Also called: BREAST CANCER, FAMILIAL; Hereditary breast cancer; hereditary breast carcinoma. Identifiers: Orphanet 227535, MedGen C0346153, MONDO:0016419, OMIM 114480. Disease mechanism: loss of function.

Submissions (2):

Mendelics
Classification: Benign. Last evaluated: 2022-05-04. Review status: criteria provided, single submitter. Criteria: Mendelics Assertion Criteria 2019. Collection method: clinical testing. Allele origin: germline.

Department of Zoology Govt. MVM College
Classification: Likely pathogenic for Familial cancer of breast. Review status: no assertion criteria provided. Collection method: not provided. Allele origin: unknown. Not counted in ClinVar's aggregate classification.
Comment: KM276980
ClinVar note: Converted during submission from probable-pathogenic to Likely pathogenic.